The following is an entry in ClinVar:

ClinVar aggregate classification (germline): Uncertain significance (1 of 4 stars; one submission).

Conditions:
Primary ciliary dyskinesia. Also called: Ciliary dyskinesia. Identifiers: Orphanet 244, MedGen C0008780, MONDO:0016575, HP:0012265.

gnomAD v4.1: 2 of 1,606,298 alleles (0.00012%); highest among the groups gnomAD compares: East Asian, 0.0022%; no homozygotes.

Submission:

Labcorp Genetics (formerly Invitae), Labcorp
Classification: Uncertain significance for Primary ciliary dyskinesia. Last evaluated: 2021-12-24. Review status: criteria provided, single submitter. Criteria: Invitae Variant Classification Sherloc (09022015). Collection method: clinical testing. Allele origin: germline.
Comment: This sequence change replaces arginine, which is basic and polar, with glutamine, which is neutral and polar, at codon 1794 of the DNAH8 protein (p.Arg1794Gln). This variant is present in population databases (rs746134358, gnomAD 0.003%). This variant has not been reported in the literature in individuals affected with DNAH8-related conditions. Algorithms developed to predict the effect of missense changes on protein structure and function are either unavailable or do not agree on the potential impact of this missense change (SIFT: "Deleterious"; PolyPhen-2: "Not Available"; Align-GVGD: "Class C0"). In summary, the available evidence is currently insufficient to determine the role of this variant in disease. Therefore, it has been classified as a Variant of Uncertain Significance.

NM_001206927.2(DNAH8):c.5381G>A (p.Arg1794Gln)

Gene: DNAH8 (dynein axonemal heavy chain 8; plus strand). Cytogenetic location: 6p21.2.
Variant type: single nucleotide variant.
Coding change: c.5381G>A on transcript NM_001206927.2 (MANE Select); coding-DNA position 5381, G replaced by A.
Protein change: p.Arg1794Gln; replaces arginine 1794 with glutamine.
Molecular consequence: missense variant.
Genome position (GRCh38, 1-based): chr6:38,851,589, G>A. VCF-style: chr6-38851589-G-A. GRCh37 (hg19) VCF-style: chr6-38819365-G-A.
Other names: c.4730G>A, p.Arg1577Gln (NM_001371.4); short protein forms R1577Q, R1794Q.
Identifiers: ClinVar variation 1445170 (VCV001445170.8), dbSNP rs746134358, ClinGen allele CA3789362.